The following is an entry in ClinVar:

ClinVar aggregate classification (germline): Pathogenic (1 of 4 stars; one submission).

Conditions:
Inborn genetic diseases. Identifiers: MedGen C0950123, MeSH D030342.

Submission:

Ambry Genetics
Classification: Pathogenic for Inborn genetic diseases. Last evaluated: 2025-11-18. Review status: criteria provided, single submitter. Criteria: Ambry Variant Classification Scheme 2023. Collection method: clinical testing. Allele origin: germline.
Comment: The c.1715dupA (p.H572Qfs*2) alteration, located in exon 6 (coding exon 5) of the KANSL1 gene, consists of a duplication of A at position 1715, causing a translational frameshift with a predicted alternate stop codon after 2 amino acids. This alteration is expected to result in loss of function by premature protein truncation or nonsense-mediated mRNA decay. This variant was not reported in population-based cohorts in the Genome Aggregation Database (gnomAD). Based on the available evidence, this alteration is classified as pathogenic.

NM_015443.4(KANSL1):c.1715dup (p.His572fs)

Gene: KANSL1 (KAT8 regulatory NSL complex subunit 1). Cytogenetic location: 17q21.31.
Variant type: Duplication.
Coding change: c.1715dup on transcript NM_015443.4 (MANE Select); coding-DNA position 1715, one base duplicated.
Protein change: p.His572fs; shifts the reading frame from histidine 572.
Molecular consequence: frameshift variant.
Genome position: GRCh38 VCF-style: chr17-46066669-A-AT. GRCh37 (hg19) VCF-style: chr17-44144035-A-AT.
Other names: c.1715dup, p.His572fs (NM_001405872.1, NM_001405873.1, NM_001405874.1 and 14 more transcripts); c.1613dup, p.His538fs (NM_001405881.1, NM_001405859.1, NM_001405860.1 and 1 more transcripts); c.449dup, p.His150fs (NM_001405882.1, NM_001405883.1, NM_001405884.1 and 1 more transcripts); short protein forms H538fs, H572fs, H150fs.
Identifiers: ClinVar variation 4622440 (VCV004622440.1).
Genomic context (GRCh38, chr17:46,066,669, plus strand): 5'-CCGGGCTGCCACACAGGTGCCATCAGATGATGAAGAGACGAGATTCAGTCGTTGCTTCTT[A>AT]TGTAATTGTTCCTCAGCATCAGAGCTGTCACCTGGAATGTGGTCTGCCAAGACAGGCTGA-3'